The following is an entry in ClinVar:

ClinVar aggregate classification (germline): Uncertain significance. Review status: criteria provided, multiple submitters, no conflicts (2 of 4 stars). 3 submissions from 3 submitters: Uncertain significance (3). Last evaluated 2026-03-17.

Conditions:
Mucopolysaccharidosis, MPS-III-C (MPS3C). Also called: SANFILIPPO SYNDROME C; MPS III C; mucopolysaccharidosis type 3C; MUCOPOLYSACCHARIDOSIS, TYPE IIIC; MPS IIIC (Sanfilippo Syndrome Type C); Mucopolysaccharidosis type IIIC (Sanfilippo C). Identifiers: Orphanet 581, Orphanet 79271, MedGen C0086649, MONDO:0009657, OMIM 252930.
Retinitis pigmentosa 73 (RP73). Identifiers: Orphanet 791, MedGen C4225287, MONDO:0014687, OMIM 616544.
Inborn genetic diseases. Identifiers: MedGen C0950123, MeSH D030342.

Allele frequency attached by ClinVar (database versions not stated): ExAC 0.00002; 1000 Genomes Project 30x 0.00016; TOPMed 0.00002; gnomAD 0.00004; 1000 Genomes Project 0.00020.
gnomAD v4.1: 16 of 1,582,406 alleles (0.001%); highest among the groups gnomAD compares: African/African-American, 0.008%; no homozygotes.

Submissions (3):

Ambry Genetics
Classification: Uncertain significance for Inborn genetic diseases. Last evaluated: 2026-03-17. Review status: criteria provided, single submitter. Criteria: Ambry Variant Classification Scheme 2023. Collection method: clinical testing. Allele origin: germline.
Comment: The c.620G>A (p.R207H) alteration is located in exon 6 (coding exon 6) of the HGSNAT gene. This alteration results from a G to A substitution at nucleotide position 620, causing the arginine (R) at amino acid position 207 to be replaced by a histidine (H). Based on data from gnomAD, the A allele has an overall frequency of 0.001% (3/248110) total alleles studied. The highest observed frequency was 0.009% (2/22078) of African alleles. Based on insufficient or conflicting evidence, the clinical significance of this alteration remains unclear.

Blueprint Genetics
Classification: Uncertain significance. Last evaluated: 2022-11-10. Review status: criteria provided, single submitter. Criteria: ACMG Guidelines, 2015. Collection method: clinical testing. Allele origin: germline.

Labcorp Genetics (formerly Invitae), Labcorp
Classification: Uncertain significance for Retinitis pigmentosa 73; Mucopolysaccharidosis, MPS-III-C. Last evaluated: 2022-08-12. Review status: criteria provided, single submitter. Criteria: Invitae Variant Classification Sherloc (09022015). Collection method: clinical testing. Allele origin: germline.
Comment: This sequence change replaces arginine, which is basic and polar, with histidine, which is basic and polar, at codon 207 of the HGSNAT protein (p.Arg207His). The frequency data for this variant in the population databases is considered unreliable, as metrics indicate poor data quality at this position in the gnomAD database. This variant has not been reported in the literature in individuals affected with HGSNAT-related conditions. Advanced modeling of protein sequence and biophysical properties (such as structural, functional, and spatial information, amino acid conservation, physicochemical variation, residue mobility, and thermodynamic stability) performed at Invitae indicates that this missense variant is not expected to disrupt HGSNAT protein function. In summary, the available evidence is currently insufficient to determine the role of this variant in disease. Therefore, it has been classified as a Variant of Uncertain Significance.

NM_152419.3(HGSNAT):c.620G>A (p.Arg207His)

Gene: HGSNAT (heparan-alpha-glucosaminide N-acetyltransferase; plus strand). Cytogenetic location: 8p11.21.
Variant type: single nucleotide variant.
Coding change: c.620G>A on transcript NM_152419.3 (MANE Select); coding-DNA position 620, G replaced by A.
Protein change: p.Arg207His; replaces arginine 207 with histidine.
Molecular consequence: missense variant. On other transcripts: 5 prime UTR variant (1).
Genome position (GRCh38, 1-based): chr8:43,169,229, G>A. VCF-style: chr8-43169229-G-A. GRCh37 (hg19) VCF-style: chr8-43024372-G-A.
Other names: c.620G>A, p.Arg207His (NM_001363227.2, NM_001363228.2); c.-214G>A (NM_001363229.2); c.620G>A (NM_152419.2); short protein forms R207H.
Identifiers: ClinVar variation 2064382 (VCV002064382.3), dbSNP rs192297314, ClinGen allele CA4736566.
Genomic context (GRCh38, chr8:43,169,229, plus strand): 5'-TCAGTTTGGATGACTTTAACAATTGGATTTCTAAAGCCATAAGTTCTCGAGAAACTGATC[G>A]CCTCATCAATTCTGTAAGTTATGAGATGCATAGTGTATTGCCCAGGTGGTTTTCTAAACT-3'
Protein context (NP_689632.2, residues 197-217): SKAISSRETD[Arg207His]LINSELGSPS